The following is an entry in ClinVar:

NM_001261.4(CDK9):c.1062C>T (p.Thr354=)

Gene: CDK9 (cyclin dependent kinase 9; plus strand). Cytogenetic location: 9q34.11.
Variant type: single nucleotide variant.
Coding change: c.1062C>T on transcript NM_001261.4 (MANE Select); coding-DNA position 1062, C replaced by T.
Protein change: p.Thr354=; no amino-acid change (threonine 354 retained).
Molecular consequence: synonymous variant.
Genome position (GRCh38, 1-based): chr9:127,789,486, C>T. VCF-style: chr9-127789486-C-T. GRCh37 (hg19) VCF-style: chr9-130551765-C-T.
Identifiers: ClinVar variation 3054575 (VCV003054575.2), dbSNP rs770616688, ClinGen allele CA5251921.

ClinVar aggregate classification (germline): Likely benign (0 of 4 stars; one submission).

Conditions:
CDK9-related disorder. Also called: CDK9-related condition.

Allele frequency attached by ClinVar (database versions not stated): gnomAD 0.00001; gnomAD exomes 0.00001; TOPMed 0.00002; ExAC 0.00001.
gnomAD v4.1: 14 of 1,614,008 alleles (0.00087%); highest among the groups gnomAD compares: Middle Eastern, 0.049%; no homozygotes.

Submission:

PreventionGenetics, part of Exact Sciences
Classification: Likely benign for CDK9-related condition. Last evaluated: 2023-11-27. Review status: no assertion criteria provided. Collection method: clinical testing. Allele origin: germline.
Comment: This variant is classified as likely benign based on ACMG/AMP sequence variant interpretation guidelines (Richards et al. 2015 PMID: 25741868, with internal and published modifications).